The following is an entry in ClinVar:

ClinVar aggregate classification (germline): Uncertain significance. Review status: criteria provided, multiple submitters, no conflicts (2 of 4 stars). 2 submissions from 2 submitters: Uncertain significance (2). Last evaluated 2024-03-04.

Conditions:
Inborn genetic diseases. Identifiers: MedGen C0950123, MeSH D030342.

Submissions (2):

Ambry Genetics
Classification: Uncertain significance for Inborn genetic diseases. Last evaluated: 2024-03-04. Review status: criteria provided, single submitter. Criteria: Ambry Variant Classification Scheme 2023. Collection method: clinical testing. Allele origin: germline.

Labcorp Genetics (formerly Invitae), Labcorp
Classification: Uncertain significance. Last evaluated: 2022-04-08. Review status: criteria provided, single submitter. Criteria: Invitae Variant Classification Sherloc (09022015). Collection method: clinical testing. Allele origin: germline.
Comment: In summary, the available evidence is currently insufficient to determine the role of this variant in disease. Therefore, it has been classified as a Variant of Uncertain Significance. Experimental studies and prediction algorithms are not available or were not evaluated, and the functional significance of this variant is currently unknown. This variant has not been reported in the literature in individuals affected with PHIP-related conditions. This variant is not present in population databases (gnomAD no frequency). This sequence change replaces glycine, which is neutral and non-polar, with valine, which is neutral and non-polar, at codon 731 of the PHIP protein (p.Gly731Val).

NM_017934.7(PHIP):c.2192G>T (p.Gly731Val)

Gene: PHIP (PHIP subunit of CUL4-Ring ligase complex; minus strand). Cytogenetic location: 6q14.1.
Variant type: single nucleotide variant.
Coding change: c.2192G>T on transcript NM_017934.7 (MANE Select); coding-DNA position 2192, G replaced by T.
Protein change: p.Gly731Val; replaces glycine 731 with valine.
Molecular consequence: missense variant.
Genome position (GRCh38, 1-based): chr6:78,997,423, C>A on the plus strand (G>T on the coding strand, the complement: PHIP is on the minus strand). VCF-style: chr6-78997423-C-A. GRCh37 (hg19) VCF-style: chr6-79707140-C-A.
Other names: c.2192G>T (NM_017934.5); short protein forms G731V.
Identifiers: ClinVar variation 2123028 (VCV002123028.5), dbSNP rs2482041295, ClinGen allele CA364629941.